The following is an entry in ClinVar:

NM_001384900.1(SEMA3D):c.1578G>A (p.Leu526=)

Gene: SEMA3D (semaphorin 3D; minus strand). Cytogenetic location: 7q21.11.
Variant type: single nucleotide variant.
Coding change: c.1578G>A on transcript NM_001384900.1 (MANE Select); coding-DNA position 1578, G replaced by A.
Protein change: p.Leu526=; no amino-acid change (leucine 526 retained).
Molecular consequence: synonymous variant.
Genome position (GRCh38, 1-based): chr7:85,015,184, C>T on the plus strand (G>A on the coding strand, the complement: SEMA3D is on the minus strand). VCF-style: chr7-85015184-C-T. GRCh37 (hg19) VCF-style: chr7-84644500-C-T.
Other names: c.1578G>A, p.Leu526= (NM_001384901.1, NM_001384902.1, NM_001384903.1 and 1 more transcripts).
Identifiers: ClinVar variation 3060649 (VCV003060649.2), dbSNP rs17559084, ClinGen allele CA4323361.

ClinVar aggregate classification (germline): Benign (0 of 4 stars; one submission).

Conditions:
SEMA3D-related disorder. Also called: SEMA3D-related condition.

Allele frequency attached by ClinVar (database versions not stated): 1000 Genomes Project 0.15076; 1000 Genomes Project 30x 0.15397; TOPMed 0.22093; gnomAD 0.22936; ExAC 0.24400; ESP Exome Variant Server 0.25088; gnomAD exomes 0.30403.
gnomAD v4.1: 476,592 of 1,609,492 alleles (30%); highest among the groups gnomAD compares: Non-Finnish European, 34%; 76,133 homozygotes.

Submission:

PreventionGenetics, part of Exact Sciences
Classification: Benign for SEMA3D-related condition. Last evaluated: 2022-07-19. Review status: no assertion criteria provided. Collection method: clinical testing. Allele origin: germline.
Comment: This variant is classified as benign based on ACMG/AMP sequence variant interpretation guidelines (Richards et al. 2015 PMID: 25741868, with internal and published modifications).